The following is an entry in ClinVar:

ClinVar aggregate classification (germline): Uncertain significance (1 of 4 stars; one submission).

Conditions:
Inborn genetic diseases. Identifiers: MedGen C0950123, MeSH D030342.

Allele frequency attached by ClinVar (database versions not stated): gnomAD exomes below 0.00001; ExAC 0.00002.
gnomAD v4.1: 2 of 1,613,780 alleles (0.00012%); highest among the groups gnomAD compares: South Asian, 0.0011%; no homozygotes.

Submission:

Ambry Genetics
Classification: Uncertain significance for Inborn genetic diseases. Last evaluated: 2023-03-09. Review status: criteria provided, single submitter. Criteria: Ambry Variant Classification Scheme 2023. Collection method: clinical testing. Allele origin: germline.
Comment: The p.V185G variant (also known as c.554T>G), located in coding exon 5 of the AKT1 gene, results from a T to G substitution at nucleotide position 554. The valine at codon 185 is replaced by glycine, an amino acid with dissimilar properties. This amino acid position is conserved. In addition, the in silico prediction for this alteration is inconclusive. Since supporting evidence is limited at this time, the clinical significance of this alteration remains unclear.

NM_001382430.1(AKT1):c.554T>G (p.Val185Gly)

Gene: AKT1 (AKT serine/threonine kinase 1; minus strand). Cytogenetic location: 14q32.33.
Variant type: single nucleotide variant.
Coding change: c.554T>G on transcript NM_001382430.1 (MANE Select); coding-DNA position 554, T replaced by G.
Protein change: p.Val185Gly; replaces valine 185 with glycine.
Molecular consequence: missense variant.
Genome position (GRCh38, 1-based): chr14:104,775,089, A>C on the plus strand (T>G on the coding strand, the complement: AKT1 is on the minus strand). VCF-style: chr14-104775089-A-C. GRCh37 (hg19) VCF-style: chr14-105241426-A-C.
Other names: c.554T>G, p.Val185Gly (NM_001014431.2, NM_001014432.2, NM_001382431.1 and 3 more transcripts); short protein forms V185G.
Identifiers: ClinVar variation 2453718 (VCV002453718.2), dbSNP rs745500951, ClinGen allele CA7374761.